The following is an entry in ClinVar:

NM_001267550.2(TTN):c.70817T>C (p.Met23606Thr)

Genes: TTN (titin; minus strand), TTN-AS1 (TTN antisense RNA 1; plus strand). Cytogenetic location: 2q31.2.
Variant type: single nucleotide variant.
Coding change: c.70817T>C on transcript NM_001267550.2 (MANE Select); coding-DNA position 70817, T replaced by C.
Protein change: p.Met23606Thr; replaces methionine 23606 with threonine.
Molecular consequence: missense variant.
Genome position (GRCh38, 1-based): chr2:178,575,315, A>G on the plus strand (T>C on the coding strand, the complement: TTN is on the minus strand). VCF-style: chr2-178575315-A-G. GRCh37 (hg19) VCF-style: chr2-179440042-A-G.
Other names: p.M21965T:ATG>ACG; c.65894T>C, p.Met21965Thr (NM_001256850.1); c.43622T>C, p.Met14541Thr (NM_003319.4); c.63113T>C, p.Met21038Thr (NM_133378.4); c.43997T>C, p.Met14666Thr (NM_133432.3); c.44198T>C, p.Met14733Thr (NM_133437.4); short protein forms M21965T, M23606T, M14666T, M14541T, M14733T, M21038T.
Identifiers: ClinVar variation 202829 (VCV000202829.10), dbSNP rs371030086, ClinGen allele CA310415.

ClinVar aggregate classification (germline): Uncertain significance. Review status: criteria provided, multiple submitters, no conflicts (2 of 4 stars). 6 submissions from 6 submitters: Uncertain significance (6). Last evaluated 2025-12-12.

Conditions:
TTN-related disorder. Also called: TTN-related condition; TTN-related disease; TTN-related disorders.
Cardiovascular phenotype. Identifiers: MedGen CN230736.
Dilated cardiomyopathy 1G (CMD1G). Identifiers: Orphanet 154, MedGen C1858763, MONDO:0011400, OMIM 604145.
Autosomal recessive limb-girdle muscular dystrophy type 2J (LGMDR10). Also called: Limb-girdle muscular dystrophy, type 2J; MUSCULAR DYSTROPHY, LIMB-GIRDLE, AUTOSOMAL RECESSIVE 10. Identifiers: Orphanet 140922, MedGen C1837342, MONDO:0012127, OMIM 608807.

Allele frequency attached by ClinVar (database versions not stated): gnomAD exomes 0.00001 and 0.00004; ExAC 0.00004; ESP Exome Variant Server 0.00016; TOPMed 0.00020; gnomAD 0.00021 and 0.00022.
gnomAD v4.1: 58 of 1,613,512 alleles (0.0036%); highest among the groups gnomAD compares: African/African-American, 0.065%; no homozygotes.

Submissions (6):

PreventionGenetics, part of Exact Sciences
Classification: Uncertain significance for TTN-related condition. Last evaluated: 2025-12-12. Review status: criteria provided, single submitter. Criteria: ACMG Guidelines, 2015. Collection method: clinical testing. Allele origin: germline.
Comment: The TTN c.70817T>C variant is predicted to result in the amino acid substitution p.Met23606Thr. To our knowledge, this variant has not been reported in the literature. This variant is reported in 0.050% of alleles in individuals of African descent in gnomAD. At this time, the clinical significance of this variant is uncertain due to the absence of conclusive functional and genetic evidence.

Ambry Genetics
Classification: Uncertain significance for Cardiovascular phenotype. Last evaluated: 2019-10-03. Review status: criteria provided, single submitter. Criteria: Ambry Variant Classification Scheme 2023. Collection method: clinical testing. Allele origin: germline.
Comment: The p.M14541T variant (also known as c.43622T>C), located in coding exon 153 of the TTN gene, results from a T to C substitution at nucleotide position 43622. The methionine at codon 14541 is replaced by threonine, an amino acid with similar properties. This amino acid position is well conserved in available vertebrate species. In addition, this alteration is predicted to be tolerated by in silico analysis. Since supporting evidence is limited at this time, the clinical significance of this alteration remains unclear.

Revvity Omics, Revvity
Classification: Uncertain significance. Last evaluated: 2019-06-24. Review status: criteria provided, single submitter. Criteria: ACMG Guidelines, 2015. Collection method: clinical testing. Allele origin: germline.

Labcorp Genetics (formerly Invitae), Labcorp
Classification: Uncertain significance for Dilated cardiomyopathy 1G; Autosomal recessive limb-girdle muscular dystrophy type 2J. Last evaluated: 2018-01-01. Review status: criteria provided, single submitter. Criteria: Invitae Variant Classification Sherloc (09022015). Collection method: clinical testing. Allele origin: germline.

GeneDx
Classification: Uncertain significance. Last evaluated: 2016-09-13. Review status: criteria provided, single submitter. Criteria: GeneDx Variant Classification (06012015). Collection method: clinical testing. Allele origin: germline. Affected: yes.
Comment: Missense variants in the TTN gene are considered 'unclassified' if they are not previously reported in the literature and do not have >1% frequency in the population to be considered a polymorphism. Research indicates that truncating mutations in the TTN gene are expected to account for approximately 25% of familial and 18% of sporadic idiopathic DCM; however, truncating variants in the TTN gene have been reported in approximately 3% of reported control alleles. There has been little investigation into non-truncating variants. (Herman D et al. Truncations of titin causing dilated cardiomyopathy. N Eng J Med 366:619-628, 2012) The variant is found in DCM panel(s).

Breakthrough Genomics
Classification: Uncertain significance. Review status: criteria provided, single submitter. Criteria: ACMG Guidelines, 2015. Collection method: not provided. Allele origin: germline. Inheritance: Autosomal recessive inheritance. Affected: yes.